The following is an entry in ClinVar:

ClinVar aggregate classification (germline): Pathogenic (1 of 4 stars; one submission).

Allele frequency attached by ClinVar (database versions not stated): TOPMed below 0.00001.

Submission:

Labcorp Genetics (formerly Invitae), Labcorp
Classification: Pathogenic. Last evaluated: 2025-06-12. Review status: criteria provided, single submitter. Criteria: Invitae Variant Classification Sherloc (09022015). Collection method: clinical testing. Allele origin: germline.
Comment: This sequence change creates a premature translational stop signal (p.Val97*) in the FAN1 gene. It is expected to result in an absent or disrupted protein product. Loss-of-function variants in FAN1 are known to be pathogenic (PMID: 22772369). This variant is not present in population databases (gnomAD no frequency). This variant has not been reported in the literature in individuals affected with FAN1-related conditions. ClinVar contains an entry for this variant (Variation ID: 1947897). For these reasons, this variant has been classified as Pathogenic.

Literature cited by the submitters: PubMed 22772369.

NM_014967.5(FAN1):c.289del (p.Asp96_Val97insTer)

Gene: FAN1 (FANCD2 and FANCI associated nuclease 1; plus strand). Cytogenetic location: 15q13.3.
Variant type: Deletion.
Coding change: c.289del on transcript NM_014967.5 (MANE Select); coding-DNA position 289, one base deleted (G; older notation c.289delG).
Protein change: p.Asp96_Val97insTer.
Molecular consequence: nonsense.
Genome position (GRCh38, 1-based): chr15:30,904,952, G deleted. VCF-style (leftmost placement, unchanged base first): chr15-30904951-TG-T. GRCh37 (hg19) VCF-style: chr15-31197154-TG-T.
Other names: c.289del, p.Asp96_Val97insTer (NM_001146094.2, NM_001146095.1, NM_001146096.2).
Identifiers: ClinVar variation 1947897 (VCV001947897.5), dbSNP rs1418844422, ClinGen allele CA711977889.